The following is an entry in ClinVar:

NM_001267550.2(TTN):c.11311+1079_11311+1080del

Gene: TTN (titin; minus strand). Cytogenetic location: 2q31.2.
Variant type: Deletion.
Coding change: c.11311+1079_11311+1080del on transcript NM_001267550.2 (MANE Select); bases 1079 to 1080 of the intron after coding-DNA position 11311, 2 bases deleted (TT; older notation c.11311+1079_11311+1080delTT).
Molecular consequence: intron variant.
Genome position (GRCh38, 1-based): chr2:178,752,044-178,752,045, AA deleted on the plus strand (TT on the coding strand, the reverse complement: TTN is on the minus strand); deleting any 2 consecutive bases within chr2:178,752,044-178,752,058 gives the same sequence; the c. name uses the placement nearest the transcript's 3' end. VCF-style (leftmost placement, unchanged base first): chr2-178752043-GAA-G. GRCh37 (hg19) VCF-style: chr2-179616770-GAA-G.
Other names: c.10222+1079_10222+1080del (NM_003319.4); c.10798+1079_10798+1080del (NM_133437.4); c.10597+1079_10597+1080del (NM_133432.3); c.10360+1079_10360+1080del (NM_133378.4, NM_001256850.1); c.10361-6_10361-5del (NM_133379.5, NM_133379.4).
Identifiers: ClinVar variation 47725 (VCV000047725.10), dbSNP rs58651353, ClinGen allele CA141785.
Genomic context (GRCh38, chr2:178,752,043, plus strand): 5'-AAAAGGCGTCACGTGTATCCCTTTCTGAATGTTCAGATTCCCCCTCAGAGAATAATTCTG[GAA>G]AAAAAAAAAAAAACCTTTACTATTTTCCATAGAACTTGAAAAAGTTGAAAGTAAATAAAA-3'

ClinVar aggregate classification (germline): Benign/Likely benign. Review status: criteria provided, multiple submitters, no conflicts (2 of 4 stars). 5 submissions from 5 submitters: Benign (3); Likely benign (2). Last evaluated 2025-04-09.

Submissions (5):

Molecular Diagnostic Laboratory for Inherited Cardiovascular Disease, Montreal Heart Institute
Classification: Likely benign. Last evaluated: 2025-04-09. Review status: criteria provided, single submitter. Criteria: ACMG Guidelines, 2015. Collection method: clinical testing. Allele origin: germline. Affected: no.

Laboratory of Genetics, Children's Clinical University Hospital Latvia
Classification: Benign. Last evaluated: 2025-02-16. Review status: criteria provided, single submitter. Criteria: ACMG Guidelines, 2015. Collection method: clinical testing. Allele origin: germline. Affected: yes.

Blueprint Genetics
Classification: Benign. Last evaluated: 2024-11-26. Review status: criteria provided, single submitter. Criteria: ACMG Guidelines, 2015. Collection method: clinical testing. Allele origin: germline.

GeneDx
Classification: Benign. Last evaluated: 2019-08-13. Review status: criteria provided, single submitter. Criteria: GeneDx Variant Classification Process June 2021. Collection method: clinical testing. Allele origin: germline. Affected: yes.
Comment: This variant is associated with the following publications: (PMID: 28798025)

Laboratory for Molecular Medicine, Mass General Brigham Personalized Medicine
Classification: Likely benign. Last evaluated: 2011-09-27. Review status: criteria provided, single submitter. Criteria: LMM Criteria. Collection method: clinical testing. Allele origin: germline. Observed: 14 variant alleles.
Comment: 10361-6_10361-5delTT in intron 45 of TTN: This variant is not expected to have c linical significance because it is located outside the conserved +/- 1, 2 region of the splicing consensus sequence and as part of a polyT stretch.